The following is an entry in ClinVar:

ClinVar aggregate classification (germline): Uncertain significance (1 of 4 stars; one submission).

Submission:

Ambry Genetics
Classification: Uncertain significance. Last evaluated: 2025-07-07. Review status: criteria provided, single submitter. Criteria: Ambry Variant Classification Scheme 2023. Collection method: clinical testing. Allele origin: germline.
Comment: The p.S236N variant (also known as c.707G>A), located in coding exon 1 of the CDK12 gene, results from a G to A substitution at nucleotide position 707. The serine at codon 236 is replaced by asparagine, an amino acid with highly similar properties. This amino acid position is conserved. In addition, this alteration is predicted to be tolerated by in silico analysis. Based on the available evidence, the clinical significance of this variant remains unclear.

NM_016507.4(CDK12):c.707G>A (p.Ser236Asn)

Genes: CDK12 (cyclin dependent kinase 12; plus strand), LOC126862553 (CDK7 strongly-dependent group 2 enhancer GRCh37_chr17:37618166-37619365; plus strand). Cytogenetic location: 17q12.
Variant type: single nucleotide variant.
Coding change: c.707G>A on transcript NM_016507.4 (MANE Select); coding-DNA position 707, G replaced by A.
Protein change: p.Ser236Asn; replaces serine 236 with asparagine.
Molecular consequence: missense variant.
Genome position (GRCh38, 1-based): chr17:39,462,778, G>A. VCF-style: chr17-39462778-G-A. GRCh37 (hg19) VCF-style: chr17-37619031-G-A.
Other names: c.707G>A, p.Ser236Asn (NM_015083.4); short protein forms S236N.
Identifiers: ClinVar variation 4224265 (VCV004224265.1).